The following is an entry in ClinVar:

ClinVar aggregate classification (germline): Uncertain significance (1 of 4 stars; one submission).

Submission:

Labcorp Genetics (formerly Invitae), Labcorp
Classification: Uncertain significance. Last evaluated: 2023-09-06. Review status: criteria provided, single submitter. Criteria: Invitae Variant Classification Sherloc (09022015). Collection method: clinical testing. Allele origin: germline.
Comment: In summary, the available evidence is currently insufficient to determine the role of this variant in disease. Therefore, it has been classified as a Variant of Uncertain Significance. An algorithm developed to predict the effect of missense changes on protein structure and function (PolyPhen-2) suggests that this variant is likely to be disruptive. This variant has not been reported in the literature in individuals affected with AP3D1-related conditions. This variant is not present in population databases (gnomAD no frequency). This sequence change replaces aspartic acid, which is acidic and polar, with valine, which is neutral and non-polar, at codon 31 of the AP3D1 protein (p.Asp31Val).

NM_001261826.3(AP3D1):c.92A>T (p.Asp31Val)

Gene: AP3D1 (adaptor related protein complex 3 subunit delta 1; minus strand). Cytogenetic location: 19p13.3.
Variant type: single nucleotide variant.
Coding change: c.92A>T on transcript NM_001261826.3 (MANE Select); coding-DNA position 92, A replaced by T.
Protein change: p.Asp31Val; replaces aspartic acid 31 with valine.
Molecular consequence: missense variant.
Genome position (GRCh38, 1-based): chr19:2,151,243, T>A on the plus strand (A>T on the coding strand, the complement: AP3D1 is on the minus strand). VCF-style: chr19-2151243-T-A. GRCh37 (hg19) VCF-style: chr19-2151242-T-A.
Other names: c.92A>T, p.Asp31Val (NM_001374799.1, NM_003938.8); short protein forms D31V.
Identifiers: ClinVar variation 2816875 (VCV002816875.3), dbSNP rs2512263581, ClinGen allele CA403238484.